The following is an entry in ClinVar:

NM_000142.5(FGFR3):c.599G>T (p.Arg200Leu)

Gene: FGFR3 (fibroblast growth factor receptor 3; plus strand). Cytogenetic location: 4p16.3.
Variant type: single nucleotide variant.
Coding change: c.599G>T on transcript NM_000142.5 (MANE Select); coding-DNA position 599, G replaced by T.
Protein change: p.Arg200Leu; replaces arginine 200 with leucine.
Molecular consequence: missense variant. On other transcripts: non-coding transcript variant (1).
Genome position (GRCh38, 1-based): chr4:1,801,520, G>T. VCF-style: chr4-1801520-G-T. GRCh37 (hg19) VCF-style: chr4-1803247-G-T.
Other names: c.599G>T, p.Arg200Leu (NM_001163213.2, NM_001354809.2, NM_001354810.2 and 1 more transcripts); short protein forms R200L.
Identifiers: ClinVar variation 134400 (VCV000134400.1), dbSNP rs587778353, ClinGen allele CA159697.

ClinVar aggregate classification (germline): not provided (0 of 4 stars; one submission).

Submission:

ITMI
No classification provided. Condition: AllHighlyPenetrant. Last evaluated: 2013-09-19. Review status: no classification provided. Collection method: reference population. Allele origin: germline.
Comment: Please see associated publication for description of ethnicities

Literature cited by the submitters: PubMed 24728327.